The following is an entry in ClinVar:

ClinVar aggregate classification (germline): Benign. Review status: criteria provided, multiple submitters, no conflicts (2 of 4 stars). 10 submissions from 10 submitters: Benign (9). 1 of the submissions does not count toward it. Last evaluated 2026-02-01.

Conditions:
Inborn genetic diseases. Identifiers: MedGen C0950123, MeSH D030342.
Cohen syndrome (COH1). Also called: PEPPER SYNDROME; Cutis verticis gyrata, retinitis pigmentosa, and sensorineural deafness. Identifiers: Orphanet 193, MedGen C0265223, MONDO:0008999, OMIM 216550.

Allele frequency attached by ClinVar (database versions not stated): gnomAD exomes 0.00124 and 0.00272; ExAC 0.00279; 1000 Genomes Project 0.00479; 1000 Genomes Project 30x 0.00547; gnomAD 0.00593 and 0.00630; TOPMed 0.00674; ESP Exome Variant Server 0.00784.
gnomAD v4.1: 2,841 of 1,613,750 alleles (0.18%); highest among the groups gnomAD compares: African/African-American, 1.8%; 15 homozygotes.

Submissions (10):

Labcorp Genetics (formerly Invitae), Labcorp
Classification: Benign for Cohen syndrome. Last evaluated: 2026-02-01. Review status: criteria provided, single submitter. Criteria: Invitae Variant Classification Sherloc (09022015). Collection method: clinical testing. Allele origin: germline.

Mayo Clinic Laboratories, Mayo Clinic
Classification: Benign. Last evaluated: 2024-09-06. Review status: criteria provided, single submitter. Criteria: ACMG Guidelines, 2015. Collection method: clinical testing. Allele origin: germline. Observed: 11 variant alleles.
Comment: BS1, BS2, BP4, BP7

Women's Health and Genetics/Laboratory Corporation of America, LabCorp
Classification: Benign. Last evaluated: 2022-11-10. Review status: criteria provided, single submitter. Criteria: LabCorp Variant Classification Summary - May 2015. Collection method: clinical testing. Allele origin: germline.

GeneDx
Classification: Benign. Last evaluated: 2019-05-20. Review status: criteria provided, single submitter. Criteria: GeneDx Variant Classification Process June 2021. Collection method: clinical testing. Allele origin: germline. Affected: yes.

Illumina Laboratory Services, Illumina
Classification: Benign for Cohen syndrome. Last evaluated: 2018-01-13. Review status: criteria provided, single submitter. Criteria: ICSL Variant Classification Criteria 13 December 2019. Collection method: clinical testing. Allele origin: germline.
Comment: This variant was observed in the ICSL laboratory as part of a predisposition screen in an ostensibly healthy population. It had not been previously curated by ICSL or reported in the Human Gene Mutation Database (HGMD: prior to June 1st, 2018), and was therefore a candidate for classification through an automated scoring system. Utilizing variant allele frequency, disease prevalence and penetrance estimates, and inheritance mode, an automated score was calculated to assess if this variant is too frequent to cause the disease. Based on the score and internal cut-off values, a variant classified as benign is not then subjected to further curation. The score for this variant resulted in a classification of benign for this disease.

Athena Diagnostics
Classification: Benign. Last evaluated: 2017-02-01. Review status: criteria provided, single submitter. Criteria: Athena Diagnostics Criteria. Collection method: clinical testing. Allele origin: germline.

Ambry Genetics
Classification: Benign for Inborn genetic diseases. Last evaluated: 2016-06-02. Review status: criteria provided, single submitter. Criteria: Ambry Variant Classification Scheme 2023. Collection method: clinical testing. Allele origin: germline.

Breakthrough Genomics
Classification: Benign. Review status: criteria provided, single submitter. Criteria: ACMG Guidelines, 2015. Collection method: not provided. Allele origin: germline. Inheritance: Autosomal recessive inheritance. Affected: yes.

PreventionGenetics, part of Exact Sciences
Classification: Benign. Review status: criteria provided, single submitter. Criteria: ACMG Guidelines, 2015. Collection method: clinical testing. Allele origin: germline.

Natera, Inc.
Classification: Benign for Cohen syndrome. Last evaluated: 2020-09-16. Review status: no assertion criteria provided. Collection method: clinical testing. Allele origin: germline. Not counted in ClinVar's aggregate classification.

NM_152564.5(VPS13B):c.2451T>C (p.His817=)

Gene: VPS13B (vacuolar protein sorting 13 homolog B; plus strand). Cytogenetic location: 8q22.2.
Variant type: single nucleotide variant.
Coding change: c.2451T>C on transcript NM_152564.5 (MANE Select); coding-DNA position 2451, T replaced by C.
Protein change: p.His817=; no amino-acid change (histidine 817 retained).
Molecular consequence: synonymous variant.
Genome position (GRCh38, 1-based): chr8:99,192,993, T>C. VCF-style: chr8-99192993-T-C. GRCh37 (hg19) VCF-style: chr8-100205221-T-C.
Other names: p.His817=; c.2451T>C, p.His817= (NM_015243.3, NM_017890.5).
Identifiers: ClinVar variation 262659 (VCV000262659.62), dbSNP rs114120664, ClinGen allele CA4822909.
Genomic context (GRCh38, chr8:99,192,993, plus strand): 5'-AATTCAAGCTACAAGAGCACAGACACTTCTCTTGCAAGCAATATATCAAAGTTGGTCTCA[T>C]CTTGGAAATGTCAGCTCTTCCGCAGTGATTGAAGCTTTGATAAATGAAATCTTCCTAAGT-3'
Protein context (NP_689777.3, residues 807-827): LLQAIYQSWS[His817=]LGNVSSSAVI